The following is an entry in ClinVar:

NM_006766.5(KAT6A):c.518C>T (p.Ala173Val)

Gene: KAT6A (lysine acetyltransferase 6A; minus strand). Cytogenetic location: 8p11.21.
Variant type: single nucleotide variant.
Coding change: c.518C>T on transcript NM_006766.5 (MANE Select); coding-DNA position 518, C replaced by T.
Protein change: p.Ala173Val; replaces alanine 173 with valine.
Molecular consequence: missense variant.
Genome position (GRCh38, 1-based): chr8:42,048,460, G>A on the plus strand (C>T on the coding strand, the complement: KAT6A is on the minus strand). VCF-style: chr8-42048460-G-A. GRCh37 (hg19) VCF-style: chr8-41905978-G-A.
Other names: c.518C>T, p.Ala173Val (NM_001305878.2); short protein forms A173V.
Identifiers: ClinVar variation 3614116 (VCV003614116.2).

ClinVar aggregate classification (germline): Uncertain significance (1 of 4 stars; one submission).

Submission:

Labcorp Genetics (formerly Invitae), Labcorp
Classification: Uncertain significance. Last evaluated: 2024-09-27. Review status: criteria provided, single submitter. Criteria: Invitae Variant Classification Sherloc (09022015). Collection method: clinical testing. Allele origin: germline.
Comment: This sequence change replaces alanine, which is neutral and non-polar, with valine, which is neutral and non-polar, at codon 173 of the KAT6A protein (p.Ala173Val). This variant is not present in population databases (gnomAD no frequency). This variant has not been reported in the literature in individuals affected with KAT6A-related conditions. Invitae Evidence Modeling of protein sequence and biophysical properties (such as structural, functional, and spatial information, amino acid conservation, physicochemical variation, residue mobility, and thermodynamic stability) indicates that this missense variant is not expected to disrupt KAT6A protein function with a negative predictive value of 80%. In summary, the available evidence is currently insufficient to determine the role of this variant in disease. Therefore, it has been classified as a Variant of Uncertain Significance.